The following is an entry in ClinVar:

NM_015395.3(TECPR1):c.1962C>T (p.His654=)

Genes: TECPR1 (tectonin beta-propeller repeat containing 1; minus strand), LOC129389829 (MPRA-validated peak6653 silencer; plus strand). Cytogenetic location: 7q21.3.
Variant type: single nucleotide variant.
Coding change: c.1962C>T on transcript NM_015395.3 (MANE Select); coding-DNA position 1962, C replaced by T.
Protein change: p.His654=; no amino-acid change (histidine 654 retained).
Molecular consequence: synonymous variant.
Genome position (GRCh38, 1-based): chr7:98,231,816, G>A on the plus strand (C>T on the coding strand, the complement: TECPR1 is on the minus strand). VCF-style: chr7-98231816-G-A. GRCh37 (hg19) VCF-style: chr7-97861128-G-A.
Identifiers: ClinVar variation 791570 (VCV000791570.27), dbSNP rs201920447, ClinGen allele CA4356864.

ClinVar aggregate classification (germline): Benign/Likely benign. Review status: criteria provided, multiple submitters, no conflicts (2 of 4 stars). 2 submissions from 2 submitters: Benign (1); Likely benign (1). Last evaluated 2022-11-01.

Allele frequency attached by ClinVar (database versions not stated): 1000 Genomes Project 0.00220; gnomAD 0.00246 and 0.00256; ESP Exome Variant Server 0.00249; 1000 Genomes Project 30x 0.00250; TOPMed 0.00338; ExAC 0.00349; gnomAD exomes 0.00365 and 0.00371.
gnomAD v4.1: 5,788 of 1,611,598 alleles (0.36%); highest among the groups gnomAD compares: Admixed American, 0.82%; 18 homozygotes.

Submissions (2):

CeGaT Center for Human Genetics Tuebingen
Classification: Likely benign. Last evaluated: 2022-11-01. Review status: criteria provided, single submitter. Criteria: CeGaT Center For Human Genetics Tuebingen Variant Classification Criteria Version 2. Collection method: clinical testing. Allele origin: germline. Affected: yes. Observed: 1 variant allele.
Comment: TECPR1: BP4, BP7, BS2

Labcorp Genetics (formerly Invitae), Labcorp
Classification: Benign. Last evaluated: 2018-01-23. Review status: criteria provided, single submitter. Criteria: Invitae Variant Classification Sherloc (09022015). Collection method: clinical testing. Allele origin: germline.